The following is an entry in ClinVar:

NM_053013.4(ENO3):c.1236G>C (p.Arg412Ser)

Gene: ENO3 (enolase 3; plus strand). Cytogenetic location: 17p13.2.
Variant type: single nucleotide variant.
Coding change: c.1236G>C on transcript NM_053013.4 (MANE Select); coding-DNA position 1236, G replaced by C.
Protein change: p.Arg412Ser; replaces arginine 412 with serine.
Molecular consequence: missense variant.
Genome position (GRCh38, 1-based): chr17:4,956,978, G>C. VCF-style: chr17-4956978-G-C. GRCh37 (hg19) VCF-style: chr17-4860273-G-C.
Other names: c.1107G>C, p.Arg369Ser (NM_001193503.2); c.1236G>C, p.Arg412Ser (NM_001374523.1, NM_001976.5); c.1263G>C, p.Arg421Ser (NM_001374524.1); short protein forms R369S, R412S, R421S.
Identifiers: ClinVar variation 2158845 (VCV002158845.3), dbSNP rs747659088, ClinGen allele CA8316624.

ClinVar aggregate classification (germline): Uncertain significance (1 of 4 stars; one submission).

Conditions:
Glycogen storage disease due to muscle beta-enolase deficiency (GSD13). Also called: ENOLASE 3 DEFICIENCY; ENOLASE-BETA DEFICIENCY; GSD XIII; Glycogen Storage Disease Type XIII. Identifiers: Orphanet 99849, MedGen C2752027, MONDO:0013046, OMIM 612932.

Allele frequency attached by ClinVar (database versions not stated): ExAC 0.00002; gnomAD exomes 0.00002; TOPMed 0.00002.
gnomAD v4.1: 13 of 1,614,212 alleles (0.00081%); highest among the groups gnomAD compares: Admixed American, 0.02%; no homozygotes.

Submission:

Labcorp Genetics (formerly Invitae), Labcorp
Classification: Uncertain significance for Glycogen storage disease due to muscle beta-enolase deficiency. Last evaluated: 2025-10-13. Review status: criteria provided, single submitter. Criteria: Invitae Variant Classification Sherloc (09022015). Collection method: clinical testing. Allele origin: germline.
Comment: This sequence change replaces arginine, which is basic and polar, with serine, which is neutral and polar, at codon 412 of the ENO3 protein (p.Arg412Ser). This variant is present in population databases (rs747659088, gnomAD 0.04%). This variant has not been reported in the literature in individuals affected with ENO3-related conditions. ClinVar contains an entry for this variant (Variation ID: 2158845). An algorithm developed to predict the effect of missense changes on protein structure and function (PolyPhen-2) suggests that this variant is likely to be disruptive. In summary, the available evidence is currently insufficient to determine the role of this variant in disease. Therefore, it has been classified as a Variant of Uncertain Significance.